The following is an entry in ClinVar:

ClinVar aggregate classification (germline): Likely benign. Review status: criteria provided, multiple submitters, no conflicts (2 of 4 stars). 4 submissions from 4 submitters: Likely benign (4). Last evaluated 2025-09-17.

Conditions:
DNM2-related disorder. Also called: DNM2-related condition.
Charcot-Marie-Tooth disease dominant intermediate B (CMTDIB). Also called: Charcot-Marie-Tooth disease dominant intermediate 1; CMT DI1; Charcot-Marie-Tooth disease dominant intermediate I; CHARCOT-MARIE-TOOTH NEUROPATHY, DOMINANT INTERMEDIATE B. Identifiers: Orphanet 100044, Orphanet 228179, MedGen C1847902, MONDO:0011674, OMIM 606482.

Allele frequency attached by ClinVar (database versions not stated): gnomAD 0.00006.
gnomAD v4.1: 87 of 1,609,786 alleles (0.0054%); highest among the groups gnomAD compares: Middle Eastern, 0.066%; 1 homozygote.

Submissions (4):

PreventionGenetics, part of Exact Sciences
Classification: Likely benign for DNM2-related condition. Last evaluated: 2025-09-17. Review status: criteria provided, single submitter. Criteria: ACMG Guidelines, 2015. Collection method: clinical testing. Allele origin: germline.
Comment: This variant is classified as likely benign based on ACMG/AMP sequence variant interpretation guidelines (Richards et al. 2015 PMID: 25741868, with internal and published modifications).

Labcorp Genetics (formerly Invitae), Labcorp
Classification: Likely benign for Charcot-Marie-Tooth disease dominant intermediate B. Last evaluated: 2025-02-19. Review status: criteria provided, single submitter. Criteria: Invitae Variant Classification Sherloc (09022015). Collection method: clinical testing. Allele origin: germline.

CeGaT Center for Human Genetics Tuebingen
Classification: Likely benign. Last evaluated: 2024-08-01. Review status: criteria provided, single submitter. Criteria: CeGaT Center For Human Genetics Tuebingen Variant Classification Criteria Version 2. Collection method: clinical testing. Allele origin: germline. Affected: yes. Observed: 2 variant alleles.
Comment: DNM2: BP4

GeneDx
Classification: Likely benign. Last evaluated: 2020-11-04. Review status: criteria provided, single submitter. Criteria: GeneDx Variant Classification Process June 2021. Collection method: clinical testing. Allele origin: germline. Affected: yes.

NM_001005361.3(DNM2):c.1782-4G>A

Gene: DNM2 (dynamin 2; plus strand). Cytogenetic location: 19p13.2.
Variant type: single nucleotide variant.
Coding change: c.1782-4G>A on transcript NM_001005361.3 (MANE Select); 4 bases into the intron before coding-DNA position 1782, G replaced by A.
Molecular consequence: intron variant.
Genome position (GRCh38, 1-based): chr19:10,823,784, G>A. VCF-style: chr19-10823784-G-A. GRCh37 (hg19) VCF-style: chr19-10934460-G-A.
Other names: c.1782-4G>A (NM_001005360.3, NM_001190716.2); c.1770-4G>A (NM_004945.4, NM_001005362.3).
Identifiers: ClinVar variation 533841 (VCV000533841.42), dbSNP rs767424969, ClinGen allele CA9201408.
Genomic context (GRCh38, chr19:10,823,784, plus strand): 5'-TCGGCAGTCTGCCAGACCCATGGCAGGGTCAAGCTTGTGCCCCTCCTTCCCCACCCCCCC[G>A]CAGAAACGTCTACAAGGACCTGCGGCAGATCGAGCTGGCCTGTGACTCCCAGGAAGACGT-3'